The following is an entry in ClinVar:

ClinVar aggregate classification (germline): Benign (0 of 4 stars; one submission).

Conditions:
MADD-related disorder. Also called: MADD-related condition; MADD-Related Disorders.

Allele frequency attached by ClinVar (database versions not stated): 1000 Genomes Project 0.01697; 1000 Genomes Project 30x 0.01796; TOPMed 0.03629; gnomAD 0.03795; ExAC 0.03931; ESP Exome Variant Server 0.04593; gnomAD exomes 0.05381.
gnomAD v4.1: 83,959 of 1,614,010 alleles (5.2%); highest among the groups gnomAD compares: Non-Finnish European, 6.3%; 2,579 homozygotes.

Submissions 1 to 31 of 73:

PreventionGenetics, part of Exact Sciences
Classification: Benign for MADD-related condition. Last evaluated: 2019-07-12. Review status: no assertion criteria provided. Collection method: clinical testing. Allele origin: germline.
Comment: This variant is classified as benign based on ACMG/AMP sequence variant interpretation guidelines (Richards et al. 2015 PMID: 25741868, with internal and published modifications).

Dr. Peter K. Rogan Lab, Western University
No classification provided (evidence only). Condition: Acute myeloid leukemia. Review status: no classification provided. Collection method: in vitro. Allele origin: not applicable. Functional consequence: retained intron. Not counted in ClinVar's aggregate classification.

Dr. Peter K. Rogan Lab, Western University
No classification provided (evidence only). Condition: Acute myeloid leukemia. Review status: no classification provided. Collection method: in vitro. Allele origin: not applicable. Functional consequence: retained intron. Not counted in ClinVar's aggregate classification.

Dr. Peter K. Rogan Lab, Western University
No classification provided (evidence only). Condition: Acute myeloid leukemia. Review status: no classification provided. Collection method: in vitro. Allele origin: not applicable. Functional consequence: retained intron. Not counted in ClinVar's aggregate classification.

Dr. Peter K. Rogan Lab, Western University
No classification provided (evidence only). Condition: Acute myeloid leukemia. Review status: no classification provided. Collection method: in vitro. Allele origin: not applicable. Functional consequence: retained intron. Not counted in ClinVar's aggregate classification.

Dr. Peter K. Rogan Lab, Western University
No classification provided (evidence only). Condition: Acute myeloid leukemia. Review status: no classification provided. Collection method: in vitro. Allele origin: not applicable. Functional consequence: retained intron. Not counted in ClinVar's aggregate classification.

Dr. Peter K. Rogan Lab, Western University
No classification provided (evidence only). Condition: Acute myeloid leukemia. Review status: no classification provided. Collection method: in vitro. Allele origin: not applicable. Functional consequence: retained intron. Not counted in ClinVar's aggregate classification.

Dr. Peter K. Rogan Lab, Western University
No classification provided (evidence only). Condition: Acute myeloid leukemia. Review status: no classification provided. Collection method: in vitro. Allele origin: not applicable. Functional consequence: retained intron. Not counted in ClinVar's aggregate classification.

Dr. Peter K. Rogan Lab, Western University
No classification provided (evidence only). Condition: Acute myeloid leukemia. Review status: no classification provided. Collection method: in vitro. Allele origin: not applicable. Functional consequence: retained intron. Not counted in ClinVar's aggregate classification.

Dr. Peter K. Rogan Lab, Western University
No classification provided (evidence only). Condition: Acute myeloid leukemia. Review status: no classification provided. Collection method: in vitro. Allele origin: not applicable. Functional consequence: retained intron. Not counted in ClinVar's aggregate classification.

Dr. Peter K. Rogan Lab, Western University
No classification provided (evidence only). Condition: Acute myeloid leukemia. Review status: no classification provided. Collection method: in vitro. Allele origin: not applicable. Functional consequence: retained intron. Not counted in ClinVar's aggregate classification.

Dr. Peter K. Rogan Lab, Western University
No classification provided (evidence only). Condition: Acute myeloid leukemia. Review status: no classification provided. Collection method: in vitro. Allele origin: not applicable. Functional consequence: retained intron. Not counted in ClinVar's aggregate classification.

Dr. Peter K. Rogan Lab, Western University
No classification provided (evidence only). Condition: Acute myeloid leukemia. Review status: no classification provided. Collection method: in vitro. Allele origin: not applicable. Functional consequence: retained intron. Not counted in ClinVar's aggregate classification.

Dr. Peter K. Rogan Lab, Western University
No classification provided (evidence only). Condition: Acute myeloid leukemia. Review status: no classification provided. Collection method: in vitro. Allele origin: not applicable. Functional consequence: retained intron. Not counted in ClinVar's aggregate classification.

Dr. Peter K. Rogan Lab, Western University
No classification provided (evidence only). Condition: Acute myeloid leukemia. Review status: no classification provided. Collection method: in vitro. Allele origin: not applicable. Functional consequence: retained intron. Not counted in ClinVar's aggregate classification.

Dr. Peter K. Rogan Lab, Western University
No classification provided (evidence only). Condition: Acute myeloid leukemia. Review status: no classification provided. Collection method: in vitro. Allele origin: not applicable. Functional consequence: retained intron. Not counted in ClinVar's aggregate classification.

Dr. Peter K. Rogan Lab, Western University
No classification provided (evidence only). Condition: Acute myeloid leukemia. Review status: no classification provided. Collection method: in vitro. Allele origin: not applicable. Functional consequence: retained intron. Not counted in ClinVar's aggregate classification.

Dr. Peter K. Rogan Lab, Western University
No classification provided (evidence only). Condition: Colon adenocarcinoma. Review status: no classification provided. Collection method: in vitro. Allele origin: not applicable. Functional consequence: retained intron. Not counted in ClinVar's aggregate classification.

Dr. Peter K. Rogan Lab, Western University
No classification provided (evidence only). Condition: Colon adenocarcinoma. Review status: no classification provided. Collection method: in vitro. Allele origin: not applicable. Functional consequence: retained intron. Not counted in ClinVar's aggregate classification.

Dr. Peter K. Rogan Lab, Western University
No classification provided (evidence only). Condition: Colon adenocarcinoma. Review status: no classification provided. Collection method: in vitro. Allele origin: not applicable. Functional consequence: retained intron. Not counted in ClinVar's aggregate classification.

Dr. Peter K. Rogan Lab, Western University
No classification provided (evidence only). Condition: Colon adenocarcinoma. Review status: no classification provided. Collection method: in vitro. Allele origin: not applicable. Functional consequence: retained intron. Not counted in ClinVar's aggregate classification.

Dr. Peter K. Rogan Lab, Western University
No classification provided (evidence only). Condition: Colon adenocarcinoma. Review status: no classification provided. Collection method: in vitro. Allele origin: not applicable. Functional consequence: retained intron. Not counted in ClinVar's aggregate classification.

Dr. Peter K. Rogan Lab, Western University
No classification provided (evidence only). Condition: Colon adenocarcinoma. Review status: no classification provided. Collection method: in vitro. Allele origin: not applicable. Functional consequence: retained intron. Not counted in ClinVar's aggregate classification.

Dr. Peter K. Rogan Lab, Western University
No classification provided (evidence only). Condition: Colon adenocarcinoma. Review status: no classification provided. Collection method: in vitro. Allele origin: not applicable. Functional consequence: retained intron. Not counted in ClinVar's aggregate classification.

Dr. Peter K. Rogan Lab, Western University
No classification provided (evidence only). Condition: Colon adenocarcinoma. Review status: no classification provided. Collection method: in vitro. Allele origin: not applicable. Functional consequence: retained intron. Not counted in ClinVar's aggregate classification.

Dr. Peter K. Rogan Lab, Western University
No classification provided (evidence only). Condition: Colon adenocarcinoma. Review status: no classification provided. Collection method: in vitro. Allele origin: not applicable. Functional consequence: retained intron. Not counted in ClinVar's aggregate classification.

Dr. Peter K. Rogan Lab, Western University
No classification provided (evidence only). Condition: Colon adenocarcinoma. Review status: no classification provided. Collection method: in vitro. Allele origin: not applicable. Functional consequence: retained intron. Not counted in ClinVar's aggregate classification.

Dr. Peter K. Rogan Lab, Western University
No classification provided (evidence only). Condition: Colon adenocarcinoma. Review status: no classification provided. Collection method: in vitro. Allele origin: not applicable. Functional consequence: retained intron. Not counted in ClinVar's aggregate classification.

Dr. Peter K. Rogan Lab, Western University
No classification provided (evidence only). Condition: Colorectal cancer. Review status: no classification provided. Collection method: in vitro. Allele origin: not applicable. Functional consequence: retained intron. Not counted in ClinVar's aggregate classification.

Dr. Peter K. Rogan Lab, Western University
No classification provided (evidence only). Condition: Colorectal cancer. Review status: no classification provided. Collection method: in vitro. Allele origin: not applicable. Functional consequence: retained intron. Not counted in ClinVar's aggregate classification.

Dr. Peter K. Rogan Lab, Western University
No classification provided (evidence only). Condition: Colorectal cancer. Review status: no classification provided. Collection method: in vitro. Allele origin: not applicable. Functional consequence: retained intron. Not counted in ClinVar's aggregate classification.

NM_001376571.1(MADD):c.2296C>T (p.Arg766Ter)

Gene: MADD (MAP kinase activating death domain; plus strand). Cytogenetic location: 11p11.2.
Variant type: single nucleotide variant.
Coding change: c.2296C>T on transcript NM_001376571.1 (MANE Select); coding-DNA position 2296, C replaced by T.
Protein change: p.Arg766Ter; replaces arginine 766 with a stop codon.
Molecular consequence: nonsense. On other transcripts: intron variant (55), non-coding transcript variant (5).
Genome position (GRCh38, 1-based): chr11:47,285,079, C>T. VCF-style: chr11-47285079-C-T. GRCh37 (hg19) VCF-style: chr11-47306630-C-T.
Other names: NC_000011.9:g.47306630C>T; c.2296C>T, p.Arg766Ter (NM_001376584.1, NM_001376593.1, NM_001376594.1 and 33 more transcripts); c.2092C>T, p.Arg698Ter (NM_001376626.1, NM_001376648.1, NM_001376657.1 and 1 more transcripts); c.1630C>T, p.Arg544Ter (NM_001376663.1); c.2282+14C>T (NM_001376645.1, NM_001376603.1, NM_001376652.1 and 43 more transcripts); c.2258+14C>T (NM_001376602.1); c.2078+14C>T (NM_001376627.1, NM_001376659.1, NM_001376635.1 and 5 more transcripts); short protein forms R544*, R698*, R766*.
Identifiers: ClinVar variation 3037635 (VCV003037635.3), dbSNP rs35233100, ClinGen allele CA5974405.